The following is an entry in ClinVar:

NM_006420.3(ARFGEF2):c.4219T>C (p.Tyr1407His)

Gene: ARFGEF2 (ARF guanine nucleotide exchange factor 2; plus strand). Cytogenetic location: 20q13.13.
Variant type: single nucleotide variant.
Coding change: c.4219T>C on transcript NM_006420.3 (MANE Select); coding-DNA position 4219, T replaced by C.
Protein change: p.Tyr1407His; replaces tyrosine 1407 with histidine.
Molecular consequence: missense variant.
Genome position (GRCh38, 1-based): chr20:49,016,319, T>C. VCF-style: chr20-49016319-T-C. GRCh37 (hg19) VCF-style: chr20-47632856-T-C.
Other names: short protein forms Y1407H.
Identifiers: ClinVar variation 1306941 (VCV001306941.2), dbSNP rs1319305357, ClinGen allele CA409326255.

ClinVar aggregate classification (germline): Uncertain significance (1 of 4 stars; one submission).

Allele frequency attached by ClinVar (database versions not stated): gnomAD exomes below 0.00001.
gnomAD v4.1: 2 of 1,613,964 alleles (0.00012%); highest among the groups gnomAD compares: Admixed American, 0.0017%; no homozygotes.

Submission:

GeneDx
Classification: Uncertain significance. Last evaluated: 2019-07-08. Review status: criteria provided, single submitter. Criteria: GeneDx Variant Classification Process June 2021. Collection method: clinical testing. Allele origin: germline. Affected: yes.
Comment: Not observed at a significant frequency in large population cohorts (Lek et al., 2016); In silico analysis, which includes protein predictors and evolutionary conservation, supports a deleterious effect; Has not been previously published as pathogenic or benign to our knowledge